The following is an entry in ClinVar:

NM_000169.3(GLA):c.1247A>C (p.Gln416Pro)

Genes: GLA (galactosidase alpha; minus strand), RPL36A-HNRNPH2 (RPL36A-HNRNPH2 readthrough; plus strand). Cytogenetic location: Xq22.1.
Variant type: single nucleotide variant.
Coding change: c.1247A>C on transcript NM_000169.3 (MANE Select); coding-DNA position 1247, A replaced by C.
Protein change: p.Gln416Pro; replaces glutamine 416 with proline.
Molecular consequence: missense variant. On other transcripts: non-coding transcript variant (3), intron variant (2).
Genome position (GRCh38, 1-based): chrX:101,397,852, T>G on the plus strand (A>C on the coding strand, the complement: GLA is on the minus strand). VCF-style: chrX-101397852-T-G. GRCh37 (hg19) VCF-style: chrX-100652840-T-G.
Other names: c.1370A>C, p.Gln457Pro (NM_001406747.1); c.300+2395T>G (NM_001199973.2); c.177+6030T>G (NM_001199974.2); short protein forms Q457P.
Identifiers: ClinVar variation 92540 (VCV000092540.15), dbSNP rs398123200, ClinGen allele CA021486.

ClinVar aggregate classification (germline): Conflicting classifications of pathogenicity. Review status: criteria provided, conflicting classifications (1 of 4 stars). 5 submissions from 5 submitters: Likely pathogenic (2); Uncertain significance (3). Last evaluated 2026-09-08.

Conditions:
Fabry disease. Also called: Ceramide trihexosidosis; Fabry's disease; HEREDITARY DYSTOPIC LIPIDOSIS; Angiokeratoma corporis diffusum; ALPHA-GALACTOSIDASE A DEFICIENCY; ANDERSON-FABRY DISEASE. Identifiers: Orphanet 324, MedGen C0002986, MONDO:0010526, OMIM 301500, HP:0001071. Disease mechanism: Fabry disease is due to inactivating mutations in the X-linked GLA gene resulting in deficiency of the enzyme Alpha Galactosidase-A., loss of function.

Submissions (5):

Genomenon, Inc
Classification: Likely pathogenic for Fabry disease. Last evaluated: 2026-09-08. Review status: criteria provided, single submitter. Criteria: Genomenon Sequence Variant Interpretation Standards - Updated. Collection method: curation. Allele origin: germline. Affected: no.
Comment: GLA p.Gln416Pro (c.1247A>C) is a missense variant that changes the amino acid at codon 416 from Glutamine to Proline. This variant has been reported in the published literature (PMID:31613176;23935525). At least one functional study has demonstrated a substantial alteration in protein function relative to the wild-type (PMID:23935525). It is absent or not present at a significant frequency in gnomAD. In conclusion, we classify GLA p.Gln416Pro (c.1247A>C) as a likely pathogenic variant.

GeneDx
Classification: Likely pathogenic. Last evaluated: 2025-06-12. Review status: criteria provided, single submitter. Criteria: GeneDx Variant Classification Process June 2021. Collection method: clinical testing. Allele origin: germline. Affected: yes.
Comment: Published functional studies demonstrate the p.(Q416P) variant causes significant decrease in enzyme activity (PMID: 23935525); Not observed at significant frequency in large population cohorts (gnomAD); In silico analysis suggests that this missense variant does not alter protein structure/function; This variant is associated with the following publications: (PMID: 23935525, 27657681)

Revvity Omics, Revvity
Classification: Uncertain significance. Last evaluated: 2022-06-09. Review status: criteria provided, single submitter. Criteria: ACMG Guidelines, 2015. Collection method: clinical testing. Allele origin: germline.

Labcorp Genetics (formerly Invitae), Labcorp
Classification: Uncertain significance for Fabry disease. Last evaluated: 2021-10-10. Review status: criteria provided, single submitter. Criteria: Invitae Variant Classification Sherloc (09022015). Collection method: clinical testing. Allele origin: germline.
Comment: ClinVar contains an entry for this variant (Variation ID: 92540). This sequence change replaces glutamine with proline at codon 416 of the GLA protein (p.Gln416Pro). The glutamine residue is weakly conserved and there is a moderate physicochemical difference between glutamine and proline. This variant is not present in population databases (ExAC no frequency). This variant has not been reported in the literature in individuals affected with GLA-related conditions. Algorithms developed to predict the effect of missense changes on protein structure and function are either unavailable or do not agree on the potential impact of this missense change (SIFT: "Deleterious"; PolyPhen-2: "Benign"; Align-GVGD: "Class C0"). Experimental studies have shown that this missense change affects GLA function (PMID: 23935525). In summary, the available evidence is currently insufficient to determine the role of this variant in disease. Therefore, it has been classified as a Variant of Uncertain Significance.

Eurofins Ntd Llc (ga)
Classification: Uncertain significance. Last evaluated: 2013-08-08. Review status: criteria provided, single submitter. Criteria: EGL Classification Definitions 2015. Collection method: clinical testing. Allele origin: germline. Observed: 1 variant allele, 1 hemizygote.

Literature cited by the submitters: PubMed 31613176 (cited by Genomenon, Inc); PubMed 23935525 (cited by Genomenon, Inc and Labcorp Genetics (formerly Invitae), Labcorp).